The following is an entry in ClinVar:

NM_001267550.2(TTN):c.54541G>C (p.Gly18181Arg)

Genes: TTN (titin; minus strand), TTN-AS1 (TTN antisense RNA 1; plus strand). Cytogenetic location: 2q31.2.
Variant type: single nucleotide variant.
Coding change: c.54541G>C on transcript NM_001267550.2 (MANE Select); coding-DNA position 54541, G replaced by C.
Protein change: p.Gly18181Arg; replaces glycine 18181 with arginine.
Molecular consequence: missense variant.
Genome position (GRCh38, 1-based): chr2:178,604,146, C>G on the plus strand (G>C on the coding strand, the complement: TTN is on the minus strand). VCF-style: chr2-178604146-C-G. GRCh37 (hg19) VCF-style: chr2-179468873-C-G.
Other names: p.G16540R:GGA>CGA; c.49618G>C, p.Gly16540Arg (NM_001256850.1); c.27346G>C, p.Gly9116Arg (NM_003319.4); c.46837G>C, p.Gly15613Arg (NM_133378.4); c.27721G>C, p.Gly9241Arg (NM_133432.3); c.27922G>C, p.Gly9308Arg (NM_133437.4); short protein forms G16540R, G18181R, G9308R, G9116R, G15613R, G9241R.
Identifiers: ClinVar variation 202716 (VCV000202716.2), dbSNP rs761810379, ClinGen allele CA310070.

ClinVar aggregate classification (germline): Uncertain significance (1 of 4 stars; one submission).

Allele frequency attached by ClinVar (database versions not stated): ExAC 0.00002; gnomAD exomes 0.00001.
gnomAD v4.1: 11 of 1,612,364 alleles (0.00068%); highest among the groups gnomAD compares: Middle Eastern, 0.017%; no homozygotes.

Submission:

GeneDx
Classification: Uncertain significance. Last evaluated: 2014-05-30. Review status: criteria provided, single submitter. Criteria: GeneDx Variant Classification (06012015). Collection method: clinical testing. Allele origin: germline. Affected: yes.
Comment: Missense variants in the TTN gene are considered 'unclassified' if they are not previously reported in the literature and do not have >1% frequency in the population to be considered a polymorphism. Research indicates that truncating mutations in the TTN gene are expected to account for approximately 25% of familial and 18% of sporadic idiopathic DCM; however, truncating variants in the TTN gene have been reported in approximately 3% of reported control alleles. There has been little investigation into non-truncating variants. (Herman D et al. Truncations of titin causing dilated cardiomyopathy. N Eng J Med 366:619-628, 2012) The variant is found in CARDIOMYOPATHY panel(s).